The following is an entry in ClinVar:

ClinVar aggregate classification (germline): Uncertain significance. Review status: criteria provided, multiple submitters, no conflicts (2 of 4 stars). 2 submissions from 2 submitters: Uncertain significance (2). Last evaluated 2025-02-27.

Conditions:
Pancreatic adenocarcinoma. Identifiers: MedGen C0281361, MONDO:0006047, HP:0006725.

Submissions (2):

Ambry Genetics
Classification: Uncertain significance. Last evaluated: 2025-02-27. Review status: criteria provided, single submitter. Criteria: Ambry Variant Classification Scheme 2023. Collection method: clinical testing. Allele origin: germline.
Comment: The p.A154T variant (also known as c.460G>A), located in coding exon 1 of the PALLD gene, results from a G to A substitution at nucleotide position 460. The alanine at codon 154 is replaced by threonine, an amino acid with similar properties. This amino acid position is conserved. In addition, this alteration is predicted to be tolerated by in silico analysis. Based on the available evidence, the clinical significance of this variant remains unclear.

Labcorp Genetics (formerly Invitae), Labcorp
Classification: Uncertain significance for Pancreatic adenocarcinoma. Last evaluated: 2024-05-26. Review status: criteria provided, single submitter. Criteria: Invitae Variant Classification Sherloc (09022015). Collection method: clinical testing. Allele origin: germline.
Comment: This sequence change replaces alanine, which is neutral and non-polar, with threonine, which is neutral and polar, at codon 154 of the PALLD protein (p.Ala154Thr). This variant is not present in population databases (gnomAD no frequency). This variant has not been reported in the literature in individuals affected with PALLD-related conditions. An algorithm developed to predict the effect of missense changes on protein structure and function (PolyPhen-2) suggests that this variant is likely to be tolerated. In summary, the available evidence is currently insufficient to determine the role of this variant in disease. Therefore, it has been classified as a Variant of Uncertain Significance.

NM_001166108.2(PALLD):c.1965-12571G>A

Gene: PALLD (palladin, cytoskeletal associated protein; plus strand). Cytogenetic location: 4q32.3.
Variant type: single nucleotide variant.
Coding change: c.1965-12571G>A on transcript NM_001166108.2 (MANE Select); 12571 bases into the intron before coding-DNA position 1965, G replaced by A.
Molecular consequence: intron variant. On other transcripts: missense variant (1).
Genome position (GRCh38, 1-based): chr4:168,878,351, G>A. VCF-style: chr4-168878351-G-A. GRCh37 (hg19) VCF-style: chr4-169799502-G-A.
Other names: c.819-12571G>A (NM_001166109.2); c.-157-12571G>A (NM_001367570.1, NM_001367568.1, NM_001367567.1 and 1 more transcripts); c.460G>A, p.Ala154Thr (NM_001166110.2); c.1965-12571G>A (NM_016081.4); c.460G>A (NM_001166110.1); short protein forms A154T.
Identifiers: ClinVar variation 3702996 (VCV003702996.3).